The following is an entry in ClinVar:

NM_177438.3(DICER1):c.2189A>G (p.Asp730Gly)

Gene: DICER1 (dicer 1, ribonuclease III; minus strand). Cytogenetic location: 14q32.13.
Variant type: single nucleotide variant.
Coding change: c.2189A>G on transcript NM_177438.3 (MANE Select); coding-DNA position 2189, A replaced by G.
Protein change: p.Asp730Gly; replaces aspartic acid 730 with glycine.
Molecular consequence: missense variant.
Genome position (GRCh38, 1-based): chr14:95,111,384, T>C on the plus strand (A>G on the coding strand, the complement: DICER1 is on the minus strand). VCF-style: chr14-95111384-T-C. GRCh37 (hg19) VCF-style: chr14-95577721-T-C.
Other names: c.2189A>G, p.Asp730Gly (NM_001291628.2, NM_030621.4, NM_001195573.1 and 1 more transcripts); c.2189A>G (NM_177438.2); short protein forms D730G.
Identifiers: ClinVar variation 1375423 (VCV001375423.8), dbSNP rs780069801, ClinGen allele CA7331295.

ClinVar aggregate classification (germline): Uncertain significance. Review status: criteria provided, multiple submitters, no conflicts (2 of 4 stars). 2 submissions from 2 submitters: Uncertain significance (2). Last evaluated 2024-10-23.

Conditions:
DICER1-related tumor predisposition. Also called: DICER1-related pleuropulmonary blastoma cancer predisposition syndrome; DICER1 syndrome. Identifiers: Orphanet 284343, MedGen C3839822, MONDO:0100216.
Hereditary cancer-predisposing syndrome. Also called: Hereditary neoplastic syndrome; Hereditary Cancer Syndrome; Neoplastic Syndromes, Hereditary; Tumor predisposition. Identifiers: Orphanet 140162, MedGen C0027672, MeSH D009386, MONDO:0015356.

Allele frequency attached by ClinVar (database versions not stated): gnomAD exomes below 0.00001; ExAC 0.00001.
gnomAD v4.1: 1 of 1,614,182 alleles (0.000062%); highest among the groups gnomAD compares: Admixed American, 0.0017%; no homozygotes.

Submissions (2):

Ambry Genetics
Classification: Uncertain significance for Hereditary cancer-predisposing syndrome. Last evaluated: 2024-10-23. Review status: criteria provided, single submitter. Criteria: Ambry Variant Classification Scheme 2023. Collection method: clinical testing. Allele origin: germline.
Comment: The p.D730G variant (also known as c.2189A>G), located in coding exon 13 of the DICER1 gene, results from an A to G substitution at nucleotide position 2189. The aspartic acid at codon 730 is replaced by glycine, an amino acid with similar properties. This amino acid position is conserved. In addition, the in silico prediction for this alteration is inconclusive. Based on the available evidence, the clinical significance of this variant remains unclear.

Labcorp Genetics (formerly Invitae), Labcorp
Classification: Uncertain significance for DICER1-related tumor predisposition. Last evaluated: 2023-07-16. Review status: criteria provided, single submitter. Criteria: Invitae Variant Classification Sherloc (09022015). Collection method: clinical testing. Allele origin: germline.
Comment: This variant is present in population databases (rs780069801, gnomAD 0.003%). This sequence change replaces aspartic acid, which is acidic and polar, with glycine, which is neutral and non-polar, at codon 730 of the DICER1 protein (p.Asp730Gly). This variant has not been reported in the literature in individuals affected with DICER1-related conditions. In summary, the available evidence is currently insufficient to determine the role of this variant in disease. Therefore, it has been classified as a Variant of Uncertain Significance. Advanced modeling of protein sequence and biophysical properties (such as structural, functional, and spatial information, amino acid conservation, physicochemical variation, residue mobility, and thermodynamic stability) performed at Invitae indicates that this missense variant is not expected to disrupt DICER1 protein function. ClinVar contains an entry for this variant (Variation ID: 1375423).